The following is an entry in ClinVar:

NM_032603.5(LOXL3):c.154A>G (p.Lys52Glu)

Genes: DOK1 (docking protein 1; plus strand), LOXL3 (lysyl oxidase like 3; minus strand). Cytogenetic location: 2p13.1.
Variant type: single nucleotide variant.
Coding change: c.154A>G on transcript NM_032603.5 (MANE Select); coding-DNA position 154, A replaced by G.
Protein change: p.Lys52Glu; replaces lysine 52 with glutamic acid.
Molecular consequence: missense variant. On other transcripts: intron variant (1).
Genome position (GRCh38, 1-based): chr2:74,552,481, T>C on the plus strand (A>G on the coding strand, the complement: LOXL3 is on the minus strand). VCF-style: chr2-74552481-T-C. GRCh37 (hg19) VCF-style: chr2-74779608-T-C.
Other names: c.154A>G, p.Lys52Glu (NM_001289164.3); c.-357-2673T>C (NM_001197260.2); short protein forms K52E.
Identifiers: ClinVar variation 1993378 (VCV001993378.4), dbSNP rs1433412630, ClinGen allele CA347397334.
Genomic context (GRCh38, chr2:74,552,481, plus strand): 5'-CATCGCAGATGGTGCCCCATTCACCAGCTCGCTGTATCTCCACGCGGCCCTCGTAGGGCT[T>C]CCTGGGGAAGCCAGCCAGCCGGAACCGAAGCCCCTGGCTCCCGGCCTTCTTCTCAGGGCC-3'
Protein context (NP_115992.1, residues 42-62): LRFRLAGFPR[Lys52Glu]PYEGRVEIQR

ClinVar aggregate classification (germline): Uncertain significance (1 of 4 stars; one submission).

Allele frequency attached by ClinVar (database versions not stated): TOPMed 0.00001; gnomAD 0.00001.
gnomAD v4.1: 1 of 1,613,470 alleles (0.000062%); highest among the groups gnomAD compares: African/African-American, 0.0013%; no homozygotes.

Submission:

Labcorp Genetics (formerly Invitae), Labcorp
Classification: Uncertain significance. Last evaluated: 2024-09-05. Review status: criteria provided, single submitter. Criteria: Invitae Variant Classification Sherloc (09022015). Collection method: clinical testing. Allele origin: germline.
Comment: This sequence change replaces lysine, which is basic and polar, with glutamic acid, which is acidic and polar, at codon 52 of the LOXL3 protein (p.Lys52Glu). This variant is not present in population databases (gnomAD no frequency). This variant has not been reported in the literature in individuals affected with LOXL3-related conditions. ClinVar contains an entry for this variant (Variation ID: 1993378). An algorithm developed to predict the effect of missense changes on protein structure and function (PolyPhen-2) suggests that this variant is likely to be disruptive. In summary, the available evidence is currently insufficient to determine the role of this variant in disease. Therefore, it has been classified as a Variant of Uncertain Significance.